The following is an entry in ClinVar:

ClinVar aggregate classification (germline): Uncertain significance (1 of 4 stars; one submission).

Submission:

GeneDx
Classification: Uncertain significance. Last evaluated: 2025-04-08. Review status: criteria provided, single submitter. Criteria: GeneDx Variant Classification Process June 2021. Collection method: clinical testing. Allele origin: germline. Affected: yes.
Comment: Not observed at significant frequency in large population cohorts (gnomAD); In silico analysis supports that this missense variant has a deleterious effect on protein structure/function; Has not been previously published as pathogenic or benign to our knowledge

NM_004113.6(FGF12):c.220T>C (p.Tyr74His)

Gene: FGF12 (fibroblast growth factor 12; minus strand). Cytogenetic location: 3q28.
Variant type: single nucleotide variant.
Coding change: c.220T>C on transcript NM_004113.6 (MANE Select); coding-DNA position 220, T replaced by C.
Protein change: p.Tyr74His; replaces tyrosine 74 with histidine.
Molecular consequence: missense variant.
Genome position (GRCh38, 1-based): chr3:192,335,369, A>G on the plus strand (T>C on the coding strand, the complement: FGF12 is on the minus strand). VCF-style: chr3-192335369-A-G. GRCh37 (hg19) VCF-style: chr3-192053158-A-G.
Other names: c.406T>C, p.Tyr136His (NM_021032.5); c.109T>C, p.Tyr37His (NM_001377292.1); c.148T>C, p.Tyr50His (NM_001377293.1, NM_001377294.1); short protein forms Y136H, Y37H, Y50H, Y74H.
Identifiers: ClinVar variation 4281898 (VCV004281898.1).
Genomic context (GRCh38, chr3:192,335,369, plus strand): 5'-CTCAGTGGTAGTTCACACACATACACACAAATACACACTACAATGTACTTACTGAACTGT[A>G]GAGATAGCCTTCACCATTCATGGCCACATAGAGGCTAGCCTTCACTCCTTGGATGGCCAC-3'
Protein context (NP_004104.3, residues 64-84): YVAMNGEGYL[Tyr74His]SSDVFTPECK